The following is an entry in ClinVar:

ClinVar aggregate classification (germline): Uncertain significance. Review status: criteria provided, multiple submitters, no conflicts (2 of 4 stars). 2 submissions from 2 submitters: Uncertain significance (2). Last evaluated 2022-08-25.

Conditions:
CENPE-related disorder. Also called: CENPE-related condition.

Submissions (2):

PreventionGenetics, part of Exact Sciences
Classification: Uncertain significance for CENPE-related condition. Last evaluated: 2022-08-25. Review status: criteria provided, single submitter. Criteria: ACMG Guidelines, 2015. Collection method: clinical testing. Allele origin: germline.
Comment: The CENPE c.5409delA variant is predicted to result in a frameshift and premature protein termination (p.Lys1803Asnfs*9). To our knowledge, this variant has not been reported in the literature. This variant is reported in 0.0031% of alleles in individuals of Latino descent in gnomAD. At this time, the clinical significance of this variant is uncertain due to the absence of conclusive functional and genetic evidence.

GeneDx
Classification: Uncertain significance. Last evaluated: 2019-10-02. Review status: criteria provided, single submitter. Criteria: GeneDx Variant Classification Process June 2021. Collection method: clinical testing. Allele origin: germline. Affected: yes.
Comment: Not observed at a significant frequency in large population cohorts (Lek et al., 2016); Frameshift variant predicted to result in protein truncation or nonsense mediated decay in a gene for which loss-of-function is not a known mechanism of disease; Has not been previously published as pathogenic or benign to our knowledge

NM_001813.3(CENPE):c.5409del (p.Lys1803fs)

Gene: CENPE (centromere protein E; minus strand). Cytogenetic location: 4q24.
Variant type: Deletion.
Coding change: c.5409del on transcript NM_001813.3 (MANE Select); coding-DNA position 5409, one base deleted (A; older notation c.5409delA).
Protein change: p.Lys1803fs; shifts the reading frame from lysine 1803.
Molecular consequence: frameshift variant.
Genome position (GRCh38, 1-based): chr4:103,141,804, T deleted on the plus strand (A on the coding strand, the reverse complement: CENPE is on the minus strand); the first of 3 consecutive T bases (chr4:103,141,804-103,141,806); deleting any one gives the same sequence. VCF-style (leftmost placement, unchanged base first): chr4-103141803-GT-G. GRCh37 (hg19) VCF-style: chr4-104062960-GT-G.
Other names: c.5334del, p.Lys1778fs (NM_001286734.2); c.5409delA (NM_001813.2); short protein forms K1778fs, K1803fs.
Identifiers: ClinVar variation 1309218 (VCV001309218.3), dbSNP rs1560621003, ClinGen allele CA917267566.
Genomic context (GRCh38, chr4:103,141,803, plus strand): 5'-AAAATACCTTTTCTTGTAATTTAGCATTTGAATTTTCTAAATCTTTTTGCATATTTGATA[GT>G]TTATCTGTCTTCTCAGAAACAATTCCTCTGAGTTTGTCAATAGTTTCCTGCTGCTCTTTC-3'